The following is an entry in ClinVar:

NM_022356.4(P3H1):c.2055+41G>C

Gene: P3H1 (prolyl 3-hydroxylase 1; minus strand). Cytogenetic location: 1p34.2.
Variant type: single nucleotide variant.
Coding change: c.2055+41G>C on transcript NM_022356.4 (MANE Select); 41 bases into the intron after coding-DNA position 2055, G replaced by C.
Molecular consequence: intron variant. On other transcripts: missense variant (1).
Genome position (GRCh38, 1-based): chr1:42,747,231, C>G on the plus strand (G>C on the coding strand, the complement: P3H1 is on the minus strand). VCF-style: chr1-42747231-C-G. GRCh37 (hg19) VCF-style: chr1-43212902-C-G.
Other names: c.2096G>C, p.Gly699Ala (NM_001243246.2); c.2074+22G>C (NM_001146289.2); short protein forms G699A.
Identifiers: ClinVar variation 4980247 (VCV004980247.1).

ClinVar aggregate classification (germline): Uncertain significance (1 of 4 stars; one submission).

Conditions:
P3H1-related disorder. Also called: P3H1-related condition.

gnomAD v4.1: 141 of 1,614,030 alleles (0.0087%); highest among the groups gnomAD compares: Non-Finnish European, 0.011%; no homozygotes.

Submission:

PreventionGenetics, part of Exact Sciences
Classification: Uncertain significance for P3H1-related condition. Last evaluated: 2026-06-11. Review status: criteria provided, single submitter. Criteria: ACMG Guidelines, 2015. Collection method: clinical testing. Allele origin: germline.
Comment: The P3H1 c.2096G>C variant is predicted to result in the amino acid substitution p.Gly699Ala. This variant can also be referred to as an intronic variant c.2055+41G>C with an alternative transcript (NM_022356). To our knowledge, this variant has not been reported in the literature. This variant is reported in 0.026% of alleles in individuals of European (Non-Finnish) descent in gnomAD. At this time, the clinical significance of this variant is uncertain due to the absence of conclusive functional and genetic evidence.